The following is an entry in ClinVar:

NM_020433.5(JPH2):c.1432C>G (p.Pro478Ala)

Gene: JPH2 (junctophilin 2; minus strand). Cytogenetic location: 20q13.12.
Variant type: single nucleotide variant.
Coding change: c.1432C>G on transcript NM_020433.5 (MANE Select); coding-DNA position 1432, C replaced by G.
Protein change: p.Pro478Ala; replaces proline 478 with alanine.
Molecular consequence: missense variant.
Genome position (GRCh38, 1-based): chr20:44,116,243, G>C on the plus strand (C>G on the coding strand, the complement: JPH2 is on the minus strand). VCF-style: chr20-44116243-G-C. GRCh37 (hg19) VCF-style: chr20-42744883-G-C.
Other names: short protein forms P478A.
Identifiers: ClinVar variation 4040901 (VCV004040901.1).

ClinVar aggregate classification (germline): Uncertain significance (1 of 4 stars; one submission).

Conditions:
Cardiovascular phenotype. Identifiers: MedGen CN230736.

Submission:

Ambry Genetics
Classification: Uncertain significance for Cardiovascular phenotype. Last evaluated: 2025-04-30. Review status: criteria provided, single submitter. Criteria: Ambry Variant Classification Scheme 2023. Collection method: clinical testing. Allele origin: germline.
Comment: The p.P478A variant (also known as c.1432C>G), located in coding exon 4 of the JPH2 gene, results from a C to G substitution at nucleotide position 1432. The proline at codon 478 is replaced by alanine, an amino acid with highly similar properties. This amino acid position is conserved. In addition, this alteration is predicted to be tolerated by in silico analysis. Based on the available evidence, the clinical significance of this variant remains unclear.